The following is an entry in ClinVar:

NM_001367823.1(ARHGEF18):c.968-61G>A

Gene: ARHGEF18 (Rho/Rac guanine nucleotide exchange factor 18; plus strand). Cytogenetic location: 19p13.2.
Variant type: single nucleotide variant.
Coding change: c.968-61G>A on transcript NM_001367823.1 (MANE Select); 61 bases into the intron before coding-DNA position 968, G replaced by A.
Molecular consequence: intron variant. On other transcripts: missense variant (1), 5 prime UTR variant (1).
Genome position (GRCh38, 1-based): chr19:7,440,283, G>A. VCF-style: chr19-7440283-G-A. GRCh37 (hg19) VCF-style: chr19-7505169-G-A.
Other names: c.181G>A, p.Gly61Arg (NM_001130955.2); c.-132G>A (NM_001367824.1); c.-71-61G>A (NM_015318.4); short protein forms G61R.
Identifiers: ClinVar variation 1352866 (VCV001352866.6), dbSNP rs375852625, ClinGen allele CA9136296.

ClinVar aggregate classification (germline): Uncertain significance. Review status: criteria provided, multiple submitters, no conflicts (2 of 4 stars). 2 submissions from 2 submitters: Uncertain significance (2). Last evaluated 2023-07-20.

Allele frequency attached by ClinVar (database versions not stated): gnomAD exomes 0.00003 and 0.00004; TOPMed 0.00003; ExAC 0.00004; gnomAD 0.00005.
gnomAD v4.1: 51 of 1,571,512 alleles (0.0032%); highest among the groups gnomAD compares: Middle Eastern, 0.017%; no homozygotes.

Submissions (2):

Blueprint Genetics
Classification: Uncertain significance. Last evaluated: 2023-07-20. Review status: criteria provided, single submitter. Criteria: ACMG Guidelines, 2015. Collection method: clinical testing. Allele origin: germline.

Labcorp Genetics (formerly Invitae), Labcorp
Classification: Uncertain significance. Last evaluated: 2022-05-16. Review status: criteria provided, single submitter. Criteria: Invitae Variant Classification Sherloc (09022015). Collection method: clinical testing. Allele origin: germline.
Comment: In summary, the available evidence is currently insufficient to determine the role of this variant in disease. Therefore, it has been classified as a Variant of Uncertain Significance. Algorithms developed to predict the effect of sequence changes on RNA splicing suggest that this variant may create or strengthen a splice site. Algorithms developed to predict the effect of missense changes on protein structure and function are either unavailable or do not agree on the potential impact of this missense change (SIFT: "Deleterious"; PolyPhen-2: "Possibly Damaging"; Align-GVGD: "Class C0"). This variant has not been reported in the literature in individuals affected with ARHGEF18-related conditions. This variant is present in population databases (rs375852625, gnomAD 0.02%). This sequence change replaces glycine, which is neutral and non-polar, with arginine, which is basic and polar, at codon 115 of the ARHGEF18 protein (p.Gly115Arg).